The following is an entry in ClinVar:

ClinVar aggregate classification (germline): Uncertain significance. Review status: criteria provided, multiple submitters, no conflicts (2 of 4 stars). 4 submissions from 4 submitters: Uncertain significance (4). Last evaluated 2024-12-04.

Conditions:
Lissencephaly 9 with complex brainstem malformation. Identifiers: Orphanet 572013, MedGen C5193029, MONDO:0032677, OMIM 618325.
MACF1-related disorder. Also called: MACF1-related condition.

gnomAD v4.1: 6 of 1,614,170 alleles (0.00037%); no homozygotes.

Submissions (4):

Labcorp Genetics (formerly Invitae), Labcorp
Classification: Uncertain significance. Last evaluated: 2024-12-04. Review status: criteria provided, single submitter. Criteria: Invitae Variant Classification Sherloc (09022015). Collection method: clinical testing. Allele origin: germline.
Comment: This sequence change replaces serine, which is neutral and polar, with cysteine, which is neutral and slightly polar, at codon 1797 of the MACF1 protein (p.Ser1797Cys). This variant is not present in population databases (gnomAD no frequency). This variant has not been reported in the literature in individuals affected with MACF1-related conditions. ClinVar contains an entry for this variant (Variation ID: 2049905). An algorithm developed to predict the effect of missense changes on protein structure and function (PolyPhen-2) suggests that this variant is likely to be tolerated. In summary, the available evidence is currently insufficient to determine the role of this variant in disease. Therefore, it has been classified as a Variant of Uncertain Significance.

Blueprint Genetics
Classification: Uncertain significance. Last evaluated: 2024-05-15. Review status: criteria provided, single submitter. Criteria: ACMG Guidelines, 2015. Collection method: clinical testing. Allele origin: germline.

Revvity Omics, Revvity
Classification: Uncertain significance for Lissencephaly 9 with complex brainstem malformation. Last evaluated: 2023-12-29. Review status: criteria provided, single submitter. Criteria: ACMG Guidelines, 2015. Collection method: clinical testing. Allele origin: germline.

PreventionGenetics, part of Exact Sciences
Classification: Uncertain significance for MACF1-related condition. Last evaluated: 2023-07-11. Review status: criteria provided, single submitter. Criteria: ACMG Guidelines, 2015. Collection method: clinical testing. Allele origin: germline.
Comment: The MACF1 c.5390C>G variant is predicted to result in the amino acid substitution p.Ser1797Cys. To our knowledge, this variant has not been reported in the literature or in a large population database, indicating this variant is rare. At this time, the clinical significance of this variant is uncertain due to the absence of conclusive functional and genetic evidence.

NM_001394062.1(MACF1):c.11576C>G (p.Ser3859Cys)

Gene: MACF1 (microtubule actin crosslinking factor 1; plus strand). Cytogenetic location: 1p34.3.
Variant type: single nucleotide variant.
Coding change: c.11576C>G on transcript NM_001394062.1 (MANE Select); coding-DNA position 11576, C replaced by G.
Protein change: p.Ser3859Cys; replaces serine 3859 with cysteine.
Molecular consequence: missense variant.
Genome position (GRCh38, 1-based): chr1:39,357,526, C>G. VCF-style: chr1-39357526-C-G. GRCh37 (hg19) VCF-style: chr1-39823198-C-G.
Other names: c.5390C>G, p.Ser1797Cys (NM_012090.5); short protein forms S1797C, S3859C.
Identifiers: ClinVar variation 2049905 (VCV002049905.7), dbSNP rs2148512252, ClinGen allele CA339818361.
Genomic context (GRCh38, chr1:39,357,526, plus strand): 5'-TCACACCTGAGGAGCAACAGATGCTGCAACAGAAGCTGGGAGAGCTAAAGGAACAATACT[C>G]TACTTCCCTGGCCCAATCAGAGGCAGAACTGAAGCAGGTGCAGACACTTCAGGATGAGTT-3'
Protein context (NP_001380991.1, residues 3849-3869): QKLGELKEQY[Ser3859Cys]TSLAQSEAEL